The following is an entry in ClinVar:

NM_001048174.2(MUTYH):c.829C>G (p.Leu277Val)

Gene: MUTYH (mutY DNA glycosylase; minus strand). Cytogenetic location: 1p34.1.
Variant type: single nucleotide variant.
Coding change: c.829C>G on transcript NM_001048174.2 (MANE Select); coding-DNA position 829, C replaced by G.
Protein change: p.Leu277Val; replaces leucine 277 with valine.
Molecular consequence: missense variant. On other transcripts: non-coding transcript variant (7).
Genome position (GRCh38, 1-based): chr1:45,332,186, G>C on the plus strand (C>G on the coding strand, the complement: MUTYH is on the minus strand). VCF-style: chr1-45332186-G-C. GRCh37 (hg19) VCF-style: chr1-45797858-G-C.
Other names: c.829C>G, p.Leu277Val (NM_001048171.2, NM_001407070.1, NM_001407072.1 and 6 more transcripts); c.553C>G, p.Leu185Val (NM_001293196.2, NM_001293192.2, NM_001407091.1); c.484C>G, p.Leu162Val (NM_001350650.2, NM_001350651.2, NM_001407082.1); c.862C>G, p.Leu288Val (NM_001407069.1, NM_001407077.1, NM_001293191.2); c.832C>G, p.Leu278Val (NM_001407071.1, NM_001048172.2, NM_001407078.1 and 1 more transcripts); c.745C>G, p.Leu249Val (NM_001407075.1); c.913C>G, p.Leu305Val (NM_001128425.2); c.874C>G, p.Leu292Val (NM_001293190.2); and 5 more; short protein forms L249V, L264V, L278V, L291V, L185V, L277V, L288V, L162V.
Identifiers: ClinVar variation 4113902 (VCV004113902.1).

ClinVar aggregate classification (germline): Uncertain significance (1 of 4 stars; one submission).

Conditions:
Hereditary cancer-predisposing syndrome. Also called: Hereditary neoplastic syndrome; Neoplastic Syndromes, Hereditary; Tumor predisposition; Hereditary Cancer Syndrome. Identifiers: Orphanet 140162, MedGen C0027672, MeSH D009386, MONDO:0015356.

Submission:

Ambry Genetics
Classification: Uncertain significance for Hereditary cancer-predisposing syndrome. Last evaluated: 2025-08-27. Review status: criteria provided, single submitter. Criteria: Ambry Variant Classification Scheme 2023. Collection method: clinical testing. Allele origin: germline.
Comment: The p.L305V variant (also known as c.913C>G), located in coding exon 10 of the MUTYH gene, results from a C to G substitution at nucleotide position 913. The leucine at codon 305 is replaced by valine, an amino acid with highly similar properties. This amino acid position is conserved. In addition, the in silico prediction for this alteration is inconclusive. Based on the available evidence, the clinical significance of this variant remains unclear.